The following is an entry in ClinVar:

ClinVar aggregate classification (germline): Likely benign. Review status: criteria provided, multiple submitters, no conflicts (2 of 4 stars). 2 submissions from 2 submitters: Likely benign (2). Last evaluated 2026-01-02.

Conditions:
ZBTB24-related disorder. Also called: ZBTB24-related condition.
Immunodeficiency-centromeric instability-facial anomalies syndrome 2 (ICF2). Identifiers: Orphanet 2268, MedGen C3279748, MONDO:0013553, OMIM 614069.

Allele frequency attached by ClinVar (database versions not stated): gnomAD 0.00005 and 0.00006; TOPMed 0.00006; gnomAD exomes 0.00008 and 0.00012; ExAC 0.00010; ESP Exome Variant Server 0.00023.
gnomAD v4.1: 186 of 1,614,060 alleles (0.012%); highest among the groups gnomAD compares: Non-Finnish European, 0.014%; no homozygotes.

Submissions (2):

Labcorp Genetics (formerly Invitae), Labcorp
Classification: Likely benign for Immunodeficiency-centromeric instability-facial anomalies syndrome 2. Last evaluated: 2026-01-02. Review status: criteria provided, single submitter. Criteria: Invitae Variant Classification Sherloc (09022015). Collection method: clinical testing. Allele origin: germline.

PreventionGenetics, part of Exact Sciences
Classification: Likely benign for ZBTB24-related condition. Last evaluated: 2025-04-24. Review status: criteria provided, single submitter. Criteria: ACMG Guidelines, 2015. Collection method: clinical testing. Allele origin: germline.
Comment: This variant is classified as likely benign based on ACMG/AMP sequence variant interpretation guidelines (Richards et al. 2015 PMID: 25741868, with internal and published modifications).

NM_014797.3(ZBTB24):c.630A>G (p.Gln210=)

Gene: ZBTB24 (zinc finger and BTB domain containing 24; minus strand). Cytogenetic location: 6q21.
Variant type: single nucleotide variant.
Coding change: c.630A>G on transcript NM_014797.3 (MANE Select); coding-DNA position 630, A replaced by G.
Protein change: p.Gln210=; no amino-acid change (glutamine 210 retained).
Molecular consequence: synonymous variant.
Genome position (GRCh38, 1-based): chr6:109,481,397, T>C on the plus strand (A>G on the coding strand, the complement: ZBTB24 is on the minus strand). VCF-style: chr6-109481397-T-C. GRCh37 (hg19) VCF-style: chr6-109802600-T-C.
Other names: c.630A>G, p.Gln210= (NM_001164313.2); c.630A>G (NM_014797.2).
Identifiers: ClinVar variation 1160738 (VCV001160738.10), dbSNP rs142786098, ClinGen allele CA3954313.